The following is an entry in ClinVar:

NM_032119.4(ADGRV1):c.8407G>A (p.Ala2803Thr)

Gene: ADGRV1 (adhesion G protein-coupled receptor V1; plus strand). Cytogenetic location: 5q14.3.
Variant type: single nucleotide variant.
Coding change: c.8407G>A on transcript NM_032119.4 (MANE Select); coding-DNA position 8407, G replaced by A.
Protein change: p.Ala2803Thr; replaces alanine 2803 with threonine.
Molecular consequence: missense variant. On other transcripts: non-coding transcript variant (1).
Genome position (GRCh38, 1-based): chr5:90,705,420, G>A. VCF-style: chr5-90705420-G-A. GRCh37 (hg19) VCF-style: chr5-90001237-G-A.
Other names: p.A2803T:GCC>ACC; short protein forms A2803T.
Identifiers: ClinVar variation 46389 (VCV000046389.33), dbSNP rs111033530, ClinGen allele CA138242.

ClinVar aggregate classification (germline): Benign/Likely benign. Review status: criteria provided, multiple submitters, no conflicts (2 of 4 stars). 9 submissions from 9 submitters: Benign (5); Likely benign (2). 2 of the submissions do not count toward it. Last evaluated 2026-02-04.

Conditions:
ADGRV1-related disorder. Also called: ADGRV1-related condition; ADGRV1-related disorders.
Usher syndrome type 2C. Also called: Usher syndrome, type 2B; USHER SYNDROME, TYPE IIC. Identifiers: Orphanet 231178, Orphanet 886, MedGen C2931213, MONDO:0011558, OMIM 605472.

Allele frequency attached by ClinVar (database versions not stated): 1000 Genomes Project 0.00479; 1000 Genomes Project 30x 0.00515; TOPMed 0.01007; ExAC 0.01043; gnomAD exomes 0.01074; gnomAD 0.01088 and 0.01127; ESP Exome Variant Server 0.01226.
gnomAD v4.1: 25,212 of 1,613,454 alleles (1.6%); highest among the groups gnomAD compares: Non-Finnish European, 1.9%; 237 homozygotes.

Submissions (9):

Labcorp Genetics (formerly Invitae), Labcorp
Classification: Benign. Last evaluated: 2026-02-04. Review status: criteria provided, single submitter. Criteria: Invitae Variant Classification Sherloc (09022015). Collection method: clinical testing. Allele origin: germline.

Athena Diagnostics
Classification: Benign. Last evaluated: 2024-12-26. Review status: criteria provided, single submitter. Criteria: Athena Diagnostics Criteria. Collection method: clinical testing. Allele origin: unknown.
Comment: The frequency of this variant in the general population is higher than would generally be expected for pathogenic variants in this gene.

ARUP Laboratories, Molecular Genetics and Genomics, ARUP Laboratories
Classification: Benign. Last evaluated: 2023-09-22. Review status: criteria provided, single submitter. Criteria: ARUP Molecular Germline Variant Investigation Process 2024. Collection method: clinical testing. Allele origin: germline.

Illumina Laboratory Services, Illumina
Classification: Likely benign for Usher syndrome type 2C. Last evaluated: 2018-01-13. Review status: criteria provided, single submitter. Criteria: ICSL Variant Classification Criteria 13 December 2019. Collection method: clinical testing. Allele origin: germline.
Comment: This variant was observed in the ICSL laboratory as part of a predisposition screen in an ostensibly healthy population. It had not been previously curated by ICSL or reported in the Human Gene Mutation Database (HGMD: prior to June 1st, 2018), and was therefore a candidate for classification through an automated scoring system. Utilizing variant allele frequency, disease prevalence and penetrance estimates, and inheritance mode, an automated score was calculated to assess if this variant is too frequent to cause the disease. Based on the score and internal cut-off values, a variant classified as likely benign is not then subjected to further curation. The score for this variant resulted in a classification of likely benign for this disease.

GeneDx
Classification: Benign. Last evaluated: 2013-04-12. Review status: criteria provided, single submitter. Criteria: GeneDx Variant Classification (06012015). Collection method: clinical testing. Allele origin: germline. Affected: yes.
Comment: This variant is considered likely benign or benign based on one or more of the following criteria: it is a conservative change, it occurs at a poorly conserved position in the protein, it is predicted to be benign by multiple in silico algorithms, and/or has population frequency not consistent with disease.

Laboratory for Molecular Medicine, Mass General Brigham Personalized Medicine
Classification: Benign. Last evaluated: 2012-01-20. Review status: criteria provided, single submitter. Criteria: LMM Criteria. Collection method: clinical testing. Allele origin: germline. Observed: 36 variant alleles.
Comment: Ala2803Thr in exon 37 of GPR98: This variant is not expected to have clinical si gnificance because it has been identified in 1.66% (112/6714) of European Americ an chromosomes and 0.43% (14/3234) of African American chromosomes by the NHLBI Exome sequencing project in a broad population in a broad population (., rs111033530, 2803T).

Breakthrough Genomics
Classification: Likely benign. Review status: criteria provided, single submitter. Criteria: ACMG Guidelines, 2015. Collection method: not provided. Allele origin: germline. Inheritance: Autosomal recessive inheritance. Affected: yes.

PreventionGenetics, part of Exact Sciences
Classification: Benign for ADGRV1-related condition. Last evaluated: 2020-05-07. Review status: no assertion criteria provided. Collection method: clinical testing. Allele origin: germline. Not counted in ClinVar's aggregate classification.
Comment: This variant is classified as benign based on ACMG/AMP sequence variant interpretation guidelines (Richards et al. 2015 PMID: 25741868, with internal and published modifications).

Genetic Services Laboratory, University of Chicago
Classification: Likely benign. Review status: no assertion criteria provided. Collection method: clinical testing. Allele origin: germline. Inheritance: Autosomal dominant inheritance. Not counted in ClinVar's aggregate classification.
Comment: Likely benign based on allele frequency in 1000 Genomes Project or ESP global frequency and its presence in a patient with a rare or unrelated disease phenotype. NOT Sanger confirmed

Literature cited by the submitters: PubMed 22334370 (cited by Athena Diagnostics).